The following is an entry in ClinVar:

NM_024422.6(DSC2):c.239A>G (p.Tyr80Cys)

Gene: DSC2 (desmocollin 2; minus strand). Cytogenetic location: 18q12.1.
Variant type: single nucleotide variant.
Coding change: c.239A>G on transcript NM_024422.6 (MANE Select); coding-DNA position 239, A replaced by G.
Protein change: p.Tyr80Cys; replaces tyrosine 80 with cysteine.
Molecular consequence: missense variant.
Genome position (GRCh38, 1-based): chr18:31,092,216, T>C on the plus strand (A>G on the coding strand, the complement: DSC2 is on the minus strand). VCF-style: chr18-31092216-T-C. GRCh37 (hg19) VCF-style: chr18-28672179-T-C.
Other names: c.239A>G, p.Tyr80Cys (NM_004949.5); short protein forms Y80C.
Identifiers: ClinVar variation 1005956 (VCV001005956.15), dbSNP rs369761766, ClinGen allele CA036601.

ClinVar aggregate classification (germline): Uncertain significance. Review status: criteria provided, multiple submitters, no conflicts (2 of 4 stars). 7 submissions from 7 submitters: Uncertain significance (7). Last evaluated 2025-11-10.

Conditions:
Cardiomyopathy (CMYO). Also called: Cardiomyopathies. Identifiers: Orphanet 167848, MedGen C0878544, MONDO:0004994, HP:0001638. Inheritance: Various modes of inheritance.
Familial isolated arrhythmogenic right ventricular dysplasia. Identifiers: Orphanet 217656, MedGen C4274968, MONDO:0016342.
Arrhythmogenic right ventricular dysplasia 11. Also called: Arrhythmogenic Right Ventricular Dysplasia/Cardiomyopathy11; ARRHYTHMOGENIC RIGHT VENTRICULAR DYSPLASIA, FAMILIAL, 11; Arrhythmogenic right ventricular dysplasia 11 with mild palmoplantar keratoderma and woolly hair. Identifiers: MedGen C1864850, MONDO:0012506, OMIM 610476.
Cardiovascular phenotype. Identifiers: MedGen CN230736.

Allele frequency attached by ClinVar (database versions not stated): gnomAD exomes 0.00001 and below 0.00001; TOPMed 0.00003; gnomAD 0.00004 and 0.00005; ExAC 0.00001; ESP Exome Variant Server 0.00008.
gnomAD v4.1: 26 of 1,613,726 alleles (0.0016%); highest among the groups gnomAD compares: Non-Finnish European, 0.0021%; no homozygotes.

Submissions (7):

Color Diagnostics, LLC DBA Color Health
Classification: Uncertain significance for Cardiomyopathy. Last evaluated: 2025-11-10. Review status: criteria provided, single submitter. Criteria: ACMG Guidelines, 2015. Collection method: clinical testing. Allele origin: germline.
Comment: This missense variant replaces tyrosine with cysteine at codon 80 of the DSC2 protein. Computational prediction suggests that this variant may not impact protein structure and function. To our knowledge, functional studies have not been reported for this variant. This variant has been reported in an individual affected with cardiomyopathy or arrhythmia (PMID: 35947370). This variant has been identified in 26/1613726 chromosomes in the general population by the Genome Aggregation Database (gnomAD). The available evidence is insufficient to determine the role of this variant in disease conclusively. Therefore, this variant is classified as a Variant of Uncertain Significance.

GeneDx
Classification: Uncertain significance. Last evaluated: 2025-08-14. Review status: criteria provided, single submitter. Criteria: GeneDx Variant Classification Process June 2021. Collection method: clinical testing. Allele origin: germline. Affected: yes.
Comment: Not observed at significant frequency in large population cohorts (gnomAD); In silico analysis supports that this missense variant has a deleterious effect on protein structure/function; Has not been previously published as pathogenic or benign to our knowledge

Ambry Genetics
Classification: Uncertain significance for Cardiovascular phenotype. Last evaluated: 2025-07-13. Review status: criteria provided, single submitter. Criteria: Ambry Variant Classification Scheme 2023. Collection method: clinical testing. Allele origin: germline.
Comment: The p.Y80C variant (also known as c.239A>G), located in coding exon 3 of the DSC2 gene, results from an A to G substitution at nucleotide position 239. The tyrosine at codon 80 is replaced by cysteine, an amino acid with highly dissimilar properties. This amino acid position is conserved. In addition, the in silico prediction for this alteration is inconclusive. Since supporting evidence is limited at this time, the clinical significance of this alteration remains unclear.

Women's Health and Genetics/Laboratory Corporation of America, LabCorp
Classification: Uncertain significance. Last evaluated: 2025-02-28. Review status: criteria provided, single submitter. Criteria: LabCorp Variant Classification Summary - May 2015. Collection method: clinical testing. Allele origin: germline.

Labcorp Genetics (formerly Invitae), Labcorp
Classification: Uncertain significance for Arrhythmogenic right ventricular dysplasia 11. Last evaluated: 2024-09-30. Review status: criteria provided, single submitter. Criteria: Invitae Variant Classification Sherloc (09022015). Collection method: clinical testing. Allele origin: germline.
Comment: This sequence change replaces tyrosine, which is neutral and polar, with cysteine, which is neutral and slightly polar, at codon 80 of the DSC2 protein (p.Tyr80Cys). This variant is present in population databases (rs369761766, gnomAD 0.002%). This variant has not been reported in the literature in individuals affected with DSC2-related conditions. ClinVar contains an entry for this variant (Variation ID: 1005956). Invitae Evidence Modeling of protein sequence and biophysical properties (such as structural, functional, and spatial information, amino acid conservation, physicochemical variation, residue mobility, and thermodynamic stability) indicates that this missense variant is expected to disrupt DSC2 protein function with a positive predictive value of 80%. In summary, the available evidence is currently insufficient to determine the role of this variant in disease. Therefore, it has been classified as a Variant of Uncertain Significance.

All of Us Research Program, National Institutes of Health
Classification: Uncertain significance for Familial isolated arrhythmogenic right ventricular dysplasia. Last evaluated: 2024-08-13. Review status: criteria provided, single submitter. Criteria: ACMG Guidelines, 2015. Collection method: clinical testing. Allele origin: germline. Inheritance: Autosomal dominant inheritance. Observed: 10 variant alleles, 10 heterozygotes.
Comment: This missense variant replaces tyrosine with cysteine at codon 80 of the DSC2 protein. Computational prediction suggests that this variant may not impact protein structure and function (internally defined REVEL score threshold <= 0.5, PMID: 27666373). To our knowledge, functional studies have not been reported for this variant. This variant has not been reported in individuals affected with cardiovascular disorders in the literature. This variant has been identified in 3/282426 chromosomes in the general population by the Genome Aggregation Database (gnomAD). The available evidence is insufficient to determine the role of this variant in disease conclusively. Therefore, this variant is classified as a Variant of Uncertain Significance.

This study involves interpretation of variants in research participants for the purpose of population health screening. Participant phenotype was not available at the time of variant classification. Additional details can be found in publication PMID: 35346344, PMCID: PMC8962531

Fulgent Genetics
Classification: Uncertain significance for Arrhythmogenic right ventricular dysplasia 11. Last evaluated: 2022-02-07. Review status: criteria provided, single submitter. Criteria: ACMG Guidelines, 2015. Collection method: clinical testing. Allele origin: unknown.

Literature cited by the submitters: PubMed 35947370 (cited by Color Diagnostics, LLC DBA Color Health).